The following is an entry in ClinVar:

ClinVar aggregate classification (germline): Uncertain significance (1 of 4 stars; one submission).

Conditions:
Dilated cardiomyopathy 1G (CMD1G). Identifiers: Orphanet 154, MedGen C1858763, MONDO:0011400, OMIM 604145.
Autosomal recessive limb-girdle muscular dystrophy type 2J (LGMDR10). Also called: MUSCULAR DYSTROPHY, LIMB-GIRDLE, AUTOSOMAL RECESSIVE 10; Limb-girdle muscular dystrophy, type 2J. Identifiers: Orphanet 140922, MedGen C1837342, MONDO:0012127, OMIM 608807.

Submission:

Labcorp Genetics (formerly Invitae), Labcorp
Classification: Uncertain significance for Dilated cardiomyopathy 1G; Autosomal recessive limb-girdle muscular dystrophy type 2J. Last evaluated: 2021-09-15. Review status: criteria provided, single submitter. Criteria: Invitae Variant Classification Sherloc (09022015). Collection method: clinical testing. Allele origin: germline.
Comment: This variant is located in the M band of TTN (PMID: 25589632). Variants in this region may be relevant for neuromuscular disorders, but have not been definitively shown to cause cardiomyopathy (PMID: 23975875). This sequence change replaces arginine with glycine at codon 35147 of the TTN protein (p.Arg35147Gly). There is a moderate physicochemical difference between arginine and glycine. In summary, the available evidence is currently insufficient to determine the role of this variant in disease. Therefore, it has been classified as a Variant of Uncertain Significance. Experimental studies and prediction algorithms are not available or were not evaluated, and the functional significance of this variant is currently unknown. This variant has not been reported in the literature in individuals affected with TTN-related conditions. This variant is not present in population databases (ExAC no frequency).

Literature cited by the submitters: PubMed 25589632; PubMed 23975875.

NM_001267550.2(TTN):c.105439A>G (p.Arg35147Gly)

Genes: TTN (titin; minus strand), TTN-AS1 (TTN antisense RNA 1; plus strand). Cytogenetic location: 2q31.2.
Variant type: single nucleotide variant.
Coding change: c.105439A>G on transcript NM_001267550.2 (MANE Select); coding-DNA position 105439, A replaced by G.
Protein change: p.Arg35147Gly; replaces arginine 35147 with glycine.
Molecular consequence: missense variant.
Genome position (GRCh38, 1-based): chr2:178,531,176, T>C on the plus strand (A>G on the coding strand, the complement: TTN is on the minus strand). VCF-style: chr2-178531176-T-C. GRCh37 (hg19) VCF-style: chr2-179395903-T-C.
Other names: c.100516A>G, p.Arg33506Gly (NM_001256850.1); c.78244A>G, p.Arg26082Gly (NM_003319.4); c.97735A>G, p.Arg32579Gly (NM_133378.4); c.78619A>G, p.Arg26207Gly (NM_133432.3); c.78820A>G, p.Arg26274Gly (NM_133437.4); short protein forms R26274G, R33506G, R32579G, R35147G, R26082G, R26207G.
Identifiers: ClinVar variation 1475173 (VCV001475173.6), dbSNP rs2154133304, ClinGen allele CA349408766.
Genomic context (GRCh38, chr2:178,531,176, plus strand): 5'-GTCCTTTACGCAGCCAGGTCACAGTTGGTACCGGCTCACCATCGGTGTCACAAGAAAACC[T>C]TGCAGACTCGCCCTCGTAGACGGTCATGGACCGTGGCTTTGTTAGAATTCTTGCTGCCAA-3'
Protein context (NP_001254479.2, residues 35137-35157): SMTVYEGESA[Arg35147Gly]FSCDTDGEPV